The following is an entry in ClinVar:

NM_001009944.3(PKD1):c.9691G>T (p.Glu3231Ter)

Gene: PKD1 (polycystin 1, transient receptor potential channel interacting; minus strand). Cytogenetic location: 16p13.3.
Variant type: single nucleotide variant.
Coding change: c.9691G>T on transcript NM_001009944.3 (MANE Select); coding-DNA position 9691, G replaced by T.
Protein change: p.Glu3231Ter; replaces glutamic acid 3231 with a stop codon.
Molecular consequence: nonsense.
Genome position (GRCh38, 1-based): chr16:2,100,187, C>A on the plus strand (G>T on the coding strand, the complement: PKD1 is on the minus strand). VCF-style: chr16-2100187-C-A. GRCh37 (hg19) VCF-style: chr16-2150188-C-A.
Other names: c.9691G>T, p.Glu3231Ter (NM_000296.4); short protein forms E3231*.
Identifiers: ClinVar variation 1179071 (VCV001179071.2), dbSNP rs2151740638, ClinGen allele CA394354906.

ClinVar aggregate classification (germline): Pathogenic (1 of 4 stars; one submission).

Conditions:
Polycystic kidney disease, adult type (PKD1). Also called: POLYCYSTIC KIDNEY DISEASE 1 WITH OR WITHOUT POLYCYSTIC LIVER DISEASE; POLYCYSTIC KIDNEY DISEASE, ADULT, TYPE I; Polycystic Kidney Disease 1, Autosomal Dominant; Polycystic kidney disease 1; Polycystic kidney disease 1, severe; Polycystic Kidney, Autosomal Dominant. Identifiers: MedGen C3149841, MONDO:0008263, OMIM 173900.

Submission:

Fulgent Genetics
Classification: Pathogenic for Polycystic kidney disease, adult type. Last evaluated: 2021-06-30. Review status: criteria provided, single submitter. Criteria: ACMG Guidelines, 2015. Collection method: clinical testing. Allele origin: unknown.
Comment: This variant has been detected in individual(s) who were sent for testing of Renasight - kidney gene panel.